The following is an entry in ClinVar:

ClinVar aggregate classification (germline): Likely benign. Review status: criteria provided, multiple submitters, no conflicts (2 of 4 stars). 2 submissions from 2 submitters: Likely benign (2). Last evaluated 2025-08-29.

Conditions:
POLD1-related polyposis and colorectal cancer syndrome (CRCS10). Also called: Colorectal cancer 10; COLORECTAL CANCER, SUSCEPTIBILITY TO, ON CHROMOSOME 19q; Colorectal cancer, susceptibility to, 10. Identifiers: Orphanet 220460, MedGen C2675481, MONDO:0012953, OMIM 612591.

Submissions (2):

Labcorp Genetics (formerly Invitae), Labcorp
Classification: Likely benign for POLD1-related polyposis and colorectal cancer syndrome. Last evaluated: 2025-08-29. Review status: criteria provided, single submitter. Criteria: Invitae Variant Classification Sherloc (09022015). Collection method: clinical testing. Allele origin: germline.

GeneDx
Classification: Likely benign. Last evaluated: 2017-06-01. Review status: criteria provided, single submitter. Criteria: GeneDx Variant Classification (06012015). Collection method: clinical testing. Allele origin: germline. Affected: yes.
Comment: This variant is considered likely benign or benign based on one or more of the following criteria: it is a conservative change, it occurs at a poorly conserved position in the protein, it is predicted to be benign by multiple in silico algorithms, and/or has population frequency not consistent with disease.

NM_002691.4(POLD1):c.316+12G>A

Gene: POLD1 (DNA polymerase delta 1, catalytic subunit; plus strand). Cytogenetic location: 19q13.33.
Variant type: single nucleotide variant.
Coding change: c.316+12G>A on transcript NM_002691.4 (MANE Select); 12 bases into the intron after coding-DNA position 316, G replaced by A.
Molecular consequence: intron variant.
Genome position (GRCh38, 1-based): chr19:50,399,496, G>A. VCF-style: chr19-50399496-G-A. GRCh37 (hg19) VCF-style: chr19-50902753-G-A.
Other names: c.316+12G>A (NM_001256849.1, NM_001308632.1, LRG_785t2 and 1 more transcripts).
Identifiers: ClinVar variation 510040 (VCV000510040.8), dbSNP rs1057521966, ClinGen allele CA658799291.